The following is an entry in ClinVar:

ClinVar aggregate classification (germline): Uncertain significance (1 of 4 stars; one submission).

Conditions:
Ehlers-Danlos syndrome, classic type, 1 (EDSCL1). Also called: EHLERS-DANLOS SYNDROME, GRAVIS TYPE; EHLERS-DANLOS SYNDROME, SEVERE CLASSIC TYPE; Ehlers-Danlos syndrome, type 1; Ehlers-Danlos Syndrome, Classic Type, COL5A1-Related; EDS I. Identifiers: MedGen C0268335, MONDO:0019567, OMIM 130000.

Submission:

Labcorp Genetics (formerly Invitae), Labcorp
Classification: Uncertain significance for Ehlers-Danlos syndrome, classic type, 1. Last evaluated: 2024-12-10. Review status: criteria provided, single submitter. Criteria: Invitae Variant Classification Sherloc (09022015). Collection method: clinical testing. Allele origin: germline.
Comment: This sequence change replaces threonine, which is neutral and polar, with alanine, which is neutral and non-polar, at codon 1087 of the COL5A2 protein (p.Thr1087Ala). This variant is not present in population databases (gnomAD no frequency). This variant has not been reported in the literature in individuals affected with COL5A2-related conditions. Invitae Evidence Modeling of protein sequence and biophysical properties (such as structural, functional, and spatial information, amino acid conservation, physicochemical variation, residue mobility, and thermodynamic stability) indicates that this missense variant is not expected to disrupt COL5A2 protein function with a negative predictive value of 95%. In summary, the available evidence is currently insufficient to determine the role of this variant in disease. Therefore, it has been classified as a Variant of Uncertain Significance.

NM_000393.5(COL5A2):c.3259A>G (p.Thr1087Ala)

Gene: COL5A2 (collagen type V alpha 2 chain; minus strand). Cytogenetic location: 2q32.2.
Variant type: single nucleotide variant.
Coding change: c.3259A>G on transcript NM_000393.5 (MANE Select); coding-DNA position 3259, A replaced by G.
Protein change: p.Thr1087Ala; replaces threonine 1087 with alanine.
Molecular consequence: missense variant.
Genome position (GRCh38, 1-based): chr2:189,045,850, T>C on the plus strand (A>G on the coding strand, the complement: COL5A2 is on the minus strand). VCF-style: chr2-189045850-T-C. GRCh37 (hg19) VCF-style: chr2-189910576-T-C.
Other names: short protein forms T1087A.
Identifiers: ClinVar variation 3685847 (VCV003685847.2).